The following is an entry in ClinVar:

NC_000007.14:g.35201801_35202766del

Gene: TBX20 (T-box transcription factor 20; minus strand). Cytogenetic location: 7p14.2.
Variant type: Deletion.
Genome position: GRCh38: chr7:35,201,801-35,202,766. GRCh37 (hg19): chr7:35,241,413-35,242,378.
Identifiers: ClinVar variation 3721900 (VCV003721900.2).

ClinVar aggregate classification (germline): Uncertain significance (1 of 4 stars; one submission).

Submission:

Labcorp Genetics (formerly Invitae), Labcorp
Classification: Uncertain significance. Last evaluated: 2025-03-03. Review status: criteria provided, single submitter. Criteria: Invitae Variant Classification Sherloc (09022015). Collection method: clinical testing. Allele origin: germline.
Comment: This variant results in the deletion of part of exon 8 (c.1011_*632del) of the TBX20 gene. While this deletion is not anticipated to lead to nonsense mediated decay, it is expected to alter mRNA translation or result in a truncated protein product. This variant is not present in population databases (gnomAD no frequency). This variant has not been reported in the literature in individuals affected with TBX20-related conditions. In summary, the available evidence is currently insufficient to determine the role of this variant in disease. Therefore, it has been classified as a Variant of Uncertain Significance.